The following is an entry in ClinVar:

NM_001367624.2(ZNF469):c.1979A>G (p.His660Arg)

Gene: ZNF469 (zinc finger protein 469; plus strand). Cytogenetic location: 16q24.2.
Variant type: single nucleotide variant.
Coding change: c.1979A>G on transcript NM_001367624.2 (MANE Select); coding-DNA position 1979, A replaced by G.
Protein change: p.His660Arg; replaces histidine 660 with arginine.
Molecular consequence: missense variant.
Genome position (GRCh38, 1-based): chr16:88,429,449, A>G. VCF-style: chr16-88429449-A-G. GRCh37 (hg19) VCF-style: chr16-88495857-A-G.
Other names: short protein forms H660R.
Identifiers: ClinVar variation 3696455 (VCV003696455.2).

ClinVar aggregate classification (germline): Uncertain significance (1 of 4 stars; one submission).

gnomAD v4.1: 4 of 613,566 alleles (0.00065%); highest among the groups gnomAD compares: Non-Finnish European, 0.0009%; no homozygotes.

Submission:

Labcorp Genetics (formerly Invitae), Labcorp
Classification: Uncertain significance. Last evaluated: 2024-03-09. Review status: criteria provided, single submitter. Criteria: Invitae Variant Classification Sherloc (09022015). Collection method: clinical testing. Allele origin: germline.
Comment: This sequence change replaces histidine, which is basic and polar, with arginine, which is basic and polar, at codon 660 of the ZNF469 protein (p.His660Arg). This variant is not present in population databases (gnomAD no frequency). This variant has not been reported in the literature in individuals affected with ZNF469-related conditions. Algorithms developed to predict the effect of missense changes on protein structure and function output the following: SIFT: "Not Available"; PolyPhen-2: "Possibly Damaging"; Align-GVGD: "Not Available". The arginine amino acid residue is found in multiple mammalian species, which suggests that this missense change does not adversely affect protein function. In summary, the available evidence is currently insufficient to determine the role of this variant in disease. Therefore, it has been classified as a Variant of Uncertain Significance.